The following is an entry in ClinVar:

ClinVar aggregate classification (germline): Uncertain significance (1 of 4 stars; one submission).

Conditions:
Primary ciliary dyskinesia 19. Also called: CILIARY DYSKINESIA, PRIMARY, 19, WITH OR WITHOUT SITUS INVERSUS. Identifiers: Orphanet 244, MedGen C3543826, MONDO:0013979, OMIM 614935.

gnomAD v4.1: 2 of 1,610,694 alleles (0.00012%); highest among the groups gnomAD compares: African/African-American, 0.0027%; no homozygotes.

Submission:

Labcorp Genetics (formerly Invitae), Labcorp
Classification: Uncertain significance for Primary ciliary dyskinesia 19. Last evaluated: 2024-02-26. Review status: criteria provided, single submitter. Criteria: Invitae Variant Classification Sherloc (09022015). Collection method: clinical testing. Allele origin: germline.
Comment: This sequence change replaces valine, which is neutral and non-polar, with leucine, which is neutral and non-polar, at codon 135 of the LRRC6 protein (p.Val135Leu). This variant is not present in population databases (gnomAD no frequency). This variant has not been reported in the literature in individuals affected with LRRC6-related conditions. Advanced modeling of protein sequence and biophysical properties (such as structural, functional, and spatial information, amino acid conservation, physicochemical variation, residue mobility, and thermodynamic stability) performed at Invitae indicates that this missense variant is expected to disrupt LRRC6 protein function with a positive predictive value of 80%. In summary, the available evidence is currently insufficient to determine the role of this variant in disease. Therefore, it has been classified as a Variant of Uncertain Significance.

NM_012472.6(DNAAF11):c.403G>T (p.Val135Leu)

Gene: DNAAF11 (dynein axonemal assembly factor 11; minus strand). Cytogenetic location: 8q24.22.
Variant type: single nucleotide variant.
Coding change: c.403G>T on transcript NM_012472.6 (MANE Select); coding-DNA position 403, G replaced by T.
Protein change: p.Val135Leu; replaces valine 135 with leucine.
Molecular consequence: missense variant. On other transcripts: non-coding transcript variant (10).
Genome position (GRCh38, 1-based): chr8:132,637,961, C>A on the plus strand (G>T on the coding strand, the complement: DNAAF11 is on the minus strand). VCF-style: chr8-132637961-C-A. GRCh37 (hg19) VCF-style: chr8-133650207-C-A.
Other names: c.403G>T, p.Val135Leu (NM_001321961.2); c.157G>T, p.Val53Leu (NM_001321962.2); c.43G>T, p.Val15Leu (NM_001321963.2, NM_001321964.2, NM_001321965.2 and 1 more transcripts); short protein forms V135L, V15L, V53L.
Identifiers: ClinVar variation 3003772 (VCV003003772.3), dbSNP rs777566528, ClinGen allele CA372295508.